The following is an entry in ClinVar:

ClinVar aggregate classification (germline): Uncertain significance (1 of 4 stars; one submission).

Conditions:
Glycogen storage disease due to lactate dehydrogenase M-subunit deficiency (GSD11). Also called: GSD XI; LACTATE DEHYDROGENASE A DEFICIENCY; Glycogen storage disease XI. Identifiers: Orphanet 284426, MedGen C2931743, MONDO:0013047, OMIM 612933.

Allele frequency attached by ClinVar (database versions not stated): gnomAD 0.00001; TOPMed below 0.00001.

Submission:

Labcorp Genetics (formerly Invitae), Labcorp
Classification: Uncertain significance for Glycogen storage disease due to lactate dehydrogenase M-subunit deficiency. Last evaluated: 2022-06-05. Review status: criteria provided, single submitter. Criteria: Invitae Variant Classification Sherloc (09022015). Collection method: clinical testing. Allele origin: germline.
Comment: This variant has not been reported in the literature in individuals affected with LDHA-related conditions. In summary, the available evidence is currently insufficient to determine the role of this variant in disease. Therefore, it has been classified as a Variant of Uncertain Significance. Algorithms developed to predict the effect of missense changes on protein structure and function are either unavailable or do not agree on the potential impact of this missense change (SIFT: "Deleterious"; PolyPhen-2: "Probably Damaging"; Align-GVGD: "Class C0"). ClinVar contains an entry for this variant (Variation ID: 1394691). This variant is not present in population databases (gnomAD no frequency). This sequence change replaces lysine, which is basic and polar, with threonine, which is neutral and polar, at codon 278 of the LDHA protein (p.Lys278Thr).

NM_005566.4(LDHA):c.833A>C (p.Lys278Thr)

Gene: LDHA (lactate dehydrogenase A; plus strand). Cytogenetic location: 11p15.1.
Variant type: single nucleotide variant.
Coding change: c.833A>C on transcript NM_005566.4 (MANE Select); coding-DNA position 833, A replaced by C.
Protein change: p.Lys278Thr; replaces lysine 278 with threonine.
Molecular consequence: missense variant. On other transcripts: non-coding transcript variant (1), intron variant (2).
Genome position (GRCh38, 1-based): chr11:18,405,571, A>C. VCF-style: chr11-18405571-A-C. GRCh37 (hg19) VCF-style: chr11-18427118-A-C.
Other names: c.659A>C, p.Lys220Thr (NM_001135239.2); c.920A>C, p.Lys307Thr (NM_001165414.2); c.711-1546A>C (NM_001165416.2); c.688-1668A>C (NM_001165415.2); short protein forms K220T, K278T, K307T.
Identifiers: ClinVar variation 1394691 (VCV001394691.6), dbSNP rs1244071770, ClinGen allele CA379508208.